The following is an entry in ClinVar:

ClinVar aggregate classification (germline): Uncertain significance. Review status: criteria provided, multiple submitters, no conflicts (2 of 4 stars). 3 submissions from 3 submitters: Uncertain significance (3). Last evaluated 2024-12-02.

Conditions:
Inborn genetic diseases. Identifiers: MedGen C0950123, MeSH D030342.
Joubert syndrome. Also called: Familial aplasia of the vermis; JOUBERT-BOLTSHAUSER SYNDROME. Identifiers: Orphanet 475, MedGen C5979921, MONDO:0018772.

Allele frequency attached by ClinVar (database versions not stated): TOPMed 0.00002; gnomAD 0.00003; gnomAD exomes 0.00003 and 0.00004; ExAC 0.00004.
gnomAD v4.1: 63 of 1,608,184 alleles (0.0039%); highest among the groups gnomAD compares: Non-Finnish European, 0.0048%; no homozygotes.

Submissions (3):

Labcorp Genetics (formerly Invitae), Labcorp
Classification: Uncertain significance for Joubert syndrome. Last evaluated: 2024-12-02. Review status: criteria provided, single submitter. Criteria: Invitae Variant Classification Sherloc (09022015). Collection method: clinical testing. Allele origin: germline.
Comment: This sequence change replaces serine, which is neutral and polar, with threonine, which is neutral and polar, at codon 1150 of the AHI1 protein (p.Ser1150Thr). This variant is present in population databases (rs750439539, gnomAD 0.008%). This variant has not been reported in the literature in individuals affected with AHI1-related conditions. ClinVar contains an entry for this variant (Variation ID: 1424148). Invitae Evidence Modeling of protein sequence and biophysical properties (such as structural, functional, and spatial information, amino acid conservation, physicochemical variation, residue mobility, and thermodynamic stability) indicates that this missense variant is not expected to disrupt AHI1 protein function with a negative predictive value of 95%. In summary, the available evidence is currently insufficient to determine the role of this variant in disease. Therefore, it has been classified as a Variant of Uncertain Significance.

Blueprint Genetics
Classification: Uncertain significance. Last evaluated: 2024-08-20. Review status: criteria provided, single submitter. Criteria: ACMG Guidelines, 2015. Collection method: clinical testing. Allele origin: germline.

Ambry Genetics
Classification: Uncertain significance for Inborn genetic diseases. Last evaluated: 2023-12-12. Review status: criteria provided, single submitter. Criteria: Ambry Variant Classification Scheme 2023. Collection method: clinical testing. Allele origin: germline.

NM_001134831.2(AHI1):c.3448T>A (p.Ser1150Thr)

Gene: AHI1 (Abelson helper integration site 1; minus strand). Cytogenetic location: 6q23.3.
Variant type: single nucleotide variant.
Coding change: c.3448T>A on transcript NM_001134831.2 (MANE Select); coding-DNA position 3448, T replaced by A.
Protein change: p.Ser1150Thr; replaces serine 1150 with threonine.
Molecular consequence: missense variant.
Genome position (GRCh38, 1-based): chr6:135,300,537, A>T on the plus strand (T>A on the coding strand, the complement: AHI1 is on the minus strand). VCF-style: chr6-135300537-A-T. GRCh37 (hg19) VCF-style: chr6-135621675-A-T.
Other names: c.3448T>A (NM_017651.4); c.3448T>A, p.Ser1150Thr (NM_001134830.2, NM_001350503.2, NM_001350504.2 and 1 more transcripts); short protein forms S1150T.
Identifiers: ClinVar variation 1424148 (VCV001424148.6), dbSNP rs750439539, ClinGen allele CA4011999.